The following is an entry in ClinVar:

ClinVar aggregate classification (germline): Conflicting classifications of pathogenicity. Review status: criteria provided, conflicting classifications (1 of 4 stars). 3 submissions from 3 submitters: Uncertain significance (1); Likely benign (2). Last evaluated 2026-07-29.

Conditions:
Mucopolysaccharidosis, MPS-IV-A (MPS4A). Also called: mucopolysaccharidosis type 4A; MORQUIO A DISEASE; Morquio syndrome A, mild; MORQUIO SYNDROME A; Mucopolysaccharidosis type IV A; GALACTOSAMINE-6-SULFATASE DEFICIENCY. Identifiers: Orphanet 309297, Orphanet 582, MedGen C0086651, MONDO:0009659, OMIM 253000.
GALNS-related disorder. Also called: GALNS-related condition.

Allele frequency attached by ClinVar (database versions not stated): gnomAD exomes 0.00008 and 0.00021; ExAC 0.00011; TOPMed 0.00013; gnomAD 0.00014; 1000 Genomes Project 0.00020; 1000 Genomes Project 30x 0.00031; ESP Exome Variant Server 0.00031.
gnomAD v4.1: 327 of 1,612,776 alleles (0.02%); highest among the groups gnomAD compares: Non-Finnish European, 0.027%; no homozygotes.

Submissions (3):

PreventionGenetics, part of Exact Sciences
Classification: Likely benign for GALNS-related condition. Last evaluated: 2026-07-29. Review status: criteria provided, single submitter. Criteria: ACMG Guidelines, 2015. Collection method: clinical testing. Allele origin: germline.
Comment: This variant is classified as likely benign based on ACMG/AMP sequence variant interpretation guidelines (Richards et al. 2015 PMID: 25741868, with internal and published modifications).

Labcorp Genetics (formerly Invitae), Labcorp
Classification: Likely benign for Mucopolysaccharidosis, MPS-IV-A. Last evaluated: 2026-01-20. Review status: criteria provided, single submitter. Criteria: Invitae Variant Classification Sherloc (09022015). Collection method: clinical testing. Allele origin: germline.

Eurofins Ntd Llc (ga)
Classification: Uncertain significance. Last evaluated: 2015-10-28. Review status: criteria provided, single submitter. Criteria: EGL Classification Definitions 2015. Collection method: clinical testing. Allele origin: germline. Observed: 1 variant allele, 1 heterozygote.

NM_000512.5(GALNS):c.899-6T>C

Gene: GALNS (galactosamine (N-acetyl)-6-sulfatase; minus strand). Cytogenetic location: 16q24.3.
Variant type: single nucleotide variant.
Coding change: c.899-6T>C on transcript NM_000512.5 (MANE Select); 6 bases into the intron before coding-DNA position 899, T replaced by C.
Molecular consequence: intron variant.
Genome position (GRCh38, 1-based): chr16:88,832,107, A>G on the plus strand (T>C on the coding strand, the complement: GALNS is on the minus strand). VCF-style: chr16-88832107-A-G. GRCh37 (hg19) VCF-style: chr16-88898515-A-G.
Other names: c.899-6T>C (NM_000512.4); c.344-6T>C (NM_001323543.2); c.917-6T>C (NM_001323544.2).
Identifiers: ClinVar variation 284438 (VCV000284438.13), dbSNP rs374850312, ClinGen allele CA8234914.